The following is an entry in ClinVar:

NM_001035.3(RYR2):c.10980A>T (p.Arg3660Ser)

Gene: RYR2 (ryanodine receptor 2; plus strand). Cytogenetic location: 1q43.
Variant type: single nucleotide variant.
Coding change: c.10980A>T on transcript NM_001035.3 (MANE Select); coding-DNA position 10980, A replaced by T.
Protein change: p.Arg3660Ser; replaces arginine 3660 with serine.
Molecular consequence: missense variant.
Genome position (GRCh38, 1-based): chr1:237,732,090, A>T. VCF-style: chr1-237732090-A-T. GRCh37 (hg19) VCF-style: chr1-237895390-A-T.
Other names: short protein forms R3660S.
Identifiers: ClinVar variation 4757222 (VCV004757222.1).

ClinVar aggregate classification (germline): Uncertain significance (1 of 4 stars; one submission).

Conditions:
Cardiomyopathy (CMYO). Also called: Cardiomyopathies. Identifiers: Orphanet 167848, MedGen C0878544, MONDO:0004994, HP:0001638. Inheritance: Various modes of inheritance.

Submission:

Color Diagnostics, LLC DBA Color Health
Classification: Uncertain significance for Cardiomyopathy. Last evaluated: 2025-06-09. Review status: criteria provided, single submitter. Criteria: ACMG Guidelines, 2015. Collection method: clinical testing. Allele origin: germline.
Comment: This missense variant replaces arginine with serine at codon 3660 of the RYR2 protein. Computational prediction suggests that this variant may not impact protein structure and function. To our knowledge, functional studies have not been reported for this variant. This variant has not been reported in individuals affected with RYR2-related disorders in the literature. This variant has not been identified in the general population by the Genome Aggregation Database (gnomAD). The available evidence is insufficient to determine the role of this variant in disease conclusively. Therefore, this variant is classified as a Variant of Uncertain Significance.